The following is an entry in ClinVar:

NM_014244.5(ADAMTS2):c.3455C>T (p.Thr1152Ile)

Gene: ADAMTS2 (ADAM metallopeptidase with thrombospondin type 1 motif 2; minus strand). Cytogenetic location: 5q35.3.
Variant type: single nucleotide variant.
Coding change: c.3455C>T on transcript NM_014244.5 (MANE Select); coding-DNA position 3455, C replaced by T.
Protein change: p.Thr1152Ile; replaces threonine 1152 with isoleucine.
Molecular consequence: missense variant.
Genome position (GRCh38, 1-based): chr5:179,114,048, G>A on the plus strand (C>T on the coding strand, the complement: ADAMTS2 is on the minus strand). VCF-style: chr5-179114048-G-A. GRCh37 (hg19) VCF-style: chr5-178541049-G-A.
Other names: short protein forms T1152I.
Identifiers: ClinVar variation 2149922 (VCV002149922.2), dbSNP rs370806281, ClinGen allele CA133019426.

ClinVar aggregate classification (germline): Uncertain significance (1 of 4 stars; one submission).

Conditions:
Ehlers-Danlos syndrome, dermatosparaxis type. Also called: EDS VIIC; Dermatosparaxis; Ehlers-Danlos syndrome, type VII, autosomal recessive. Identifiers: Orphanet 1901, MedGen C2700425, MONDO:0009161, OMIM 225410.

Allele frequency attached by ClinVar (database versions not stated): gnomAD exomes 0.00001; TOPMed 0.00001; ESP Exome Variant Server 0.00008.
gnomAD v4.1: 5 of 1,614,150 alleles (0.00031%); highest among the groups gnomAD compares: Non-Finnish European, 0.00042%; no homozygotes.

Submission:

Labcorp Genetics (formerly Invitae), Labcorp
Classification: Uncertain significance for Ehlers-Danlos syndrome, dermatosparaxis type. Last evaluated: 2023-10-13. Review status: criteria provided, single submitter. Criteria: Invitae Variant Classification Sherloc (09022015). Collection method: clinical testing. Allele origin: germline.
Comment: This sequence change replaces threonine, which is neutral and polar, with isoleucine, which is neutral and non-polar, at codon 1152 of the ADAMTS2 protein (p.Thr1152Ile). This variant is present in population databases (rs370806281, gnomAD 0.0009%). This variant has not been reported in the literature in individuals affected with ADAMTS2-related conditions. ClinVar contains an entry for this variant (Variation ID: 2149922). An algorithm developed to predict the effect of missense changes on protein structure and function (PolyPhen-2) suggests that this variant is likely to be disruptive. In summary, the available evidence is currently insufficient to determine the role of this variant in disease. Therefore, it has been classified as a Variant of Uncertain Significance.